The following is an entry in ClinVar:

NM_001148.6(ANK2):c.257G>T (p.Arg86Ile)

Gene: ANK2 (ankyrin 2; plus strand). Cytogenetic location: 4q25.
Variant type: single nucleotide variant.
Coding change: c.257G>T on transcript NM_001148.6 (MANE Select); coding-DNA position 257, G replaced by T.
Protein change: p.Arg86Ile; replaces arginine 86 with isoleucine.
Molecular consequence: missense variant.
Genome position (GRCh38, 1-based): chr4:113,196,438, G>T. VCF-style: chr4-113196438-G-T. GRCh37 (hg19) VCF-style: chr4-114117594-G-T.
Other names: p.R86I:AGA>ATA; c.194G>T, p.Arg65Ile (NM_001127493.3, NM_001354239.2, NM_001354243.2 and 33 more transcripts); c.257G>T, p.Arg86Ile (NM_001354225.2, NM_001354228.2, NM_001354232.2 and 9 more transcripts); c.302G>T, p.Arg101Ile (NM_001354230.2, NM_001354231.2, NM_001354237.2 and 5 more transcripts); c.239G>T, p.Arg80Ile (NM_001354261.2, NM_001386147.1, NM_001386160.1); c.245G>T, p.Arg82Ile (NM_001354269.3, NM_001386148.2, NM_001386186.2 and 1 more transcripts); c.308G>T, p.Arg103Ile (NM_001386174.1, NM_001386175.1); short protein forms R65I, R86I, R80I, R101I, R82I, R103I.
Identifiers: ClinVar variation 190591 (VCV000190591.2), dbSNP rs786205731, ClinGen allele CA301006.

ClinVar aggregate classification (germline): Uncertain significance (1 of 4 stars; one submission).

Allele frequency attached by ClinVar (database versions not stated): gnomAD exomes below 0.00001.
gnomAD v4.1: 1 of 1,613,534 alleles (0.000062%); highest among the groups gnomAD compares: Non-Finnish European, 0.000085%; no homozygotes.

Submission:

GeneDx
Classification: Uncertain significance. Last evaluated: 2014-10-14. Review status: criteria provided, single submitter. Criteria: GeneDx Variant Classification (06012015). Collection method: clinical testing. Allele origin: germline. Affected: yes.
Comment: p.Arg86Ile (AGA>ATA): c.257 G>T in exon 3 of the ANK2 gene (NM_001148.4). A variant of unknown significance has been identified in the ANK2 gene. The R86I variant has not been published as a mutation, nor has it been reported as a benign polymorphism to our knowledge. The R86I variant was not observed in approximately 6,500 individuals of European and African American ancestry in the NHLBI Exome Sequencing Project, indicating it is not a common benign variant in these populations. The R86I variant is a non-conservative amino acid substitution, which is likely to impact secondary protein structure as these residues differ in polarity, charge, size and/or other properties. Additionally, this substitution occurs at a position that is conserved across species and in silico analysis predicts this variant is probably damaging to the protein structure/function. However, missense mutations in nearby residues have not been reported, indicating this region of the protein may be tolerant of change. Therefore, based on the currently available information, it is unclear whether this variant is a pathogenic mutation or a rare benign variant. The variant is found in LQT panel(s).